The following is an entry in ClinVar:

ClinVar aggregate classification (germline): Conflicting classifications of pathogenicity; association. Review status: criteria provided, conflicting classifications (1 of 4 stars). 16 submissions from 14 submitters: Likely pathogenic (1); Uncertain significance (5); Benign (2); Likely benign (5). 2 of the submissions do not count toward it. Last evaluated 2026-09-01.

Conditions:
Inflammatory bowel disease 1 (IBD1). Also called: Inflammatory bowel disease 1, Crohn disease; INFLAMMATORY BOWEL DISEASE (CROHN DISEASE) 1. Identifiers: MedGen CN260071, MONDO:0009960, OMIM 266600.
Yao syndrome. Also called: Susceptibility to Yao syndrome. Identifiers: MedGen C4310620, MONDO:0015019, OMIM 617321.
Autoinflammatory syndrome. Identifiers: Orphanet 93665, MedGen C3890737, MONDO:0019751.
Blau syndrome (BLAUS). Also called: ARTHROCUTANEOUVEAL GRANULOMATOSIS; GRANULOMATOSIS, FAMILIAL JUVENILE SYSTEMIC; GRANULOMATOSIS, FAMILIAL, BLAU TYPE; GRANULOMATOUS INFLAMMATORY ARTHRITIS, DERMATITIS, AND UVEITIS, FAMILIAL; JABS SYNDROME. Identifiers: Orphanet 90340, MedGen C5201146, MONDO:0008523, OMIM 186580.
Regional enteritis. Also called: Enteritis, Granulomatous. Identifiers: MedGen C0678202, MeSH D003424.
Psoriatic arthritis, susceptibility to. Identifiers: MedGen C1835223, MONDO:0100232, OMIM 607507.

Allele frequency attached by ClinVar (database versions not stated): 1000 Genomes Project 30x 0.00593; TOPMed 0.00941; 1000 Genomes Project 0.00459.
gnomAD v4.1: 20,794 of 1,614,104 alleles (1.3%); highest among the groups gnomAD compares: Middle Eastern, 3.7%; 245 homozygotes.

Submissions 1 to 11 of 16:

CeGaT Center for Human Genetics Tuebingen
Classification: Benign. Last evaluated: 2026-09-01. Review status: criteria provided, single submitter. Criteria: CeGaT Center For Human Genetics Tuebingen Variant Classification Criteria Version 2. Collection method: clinical testing. Allele origin: germline. Affected: yes. Observed: 32 variant alleles.
Comment: NOD2: BS1, BS2

Women's Health and Genetics/Laboratory Corporation of America, LabCorp
Classification: Likely benign. Last evaluated: 2026-03-31. Review status: criteria provided, single submitter. Criteria: LabCorp Variant Classification Summary - May 2015. Collection method: clinical testing. Allele origin: germline.

Labcorp Genetics (formerly Invitae), Labcorp
Classification: association for Regional enteritis; Blau syndrome. Last evaluated: 2026-02-03. Review status: criteria provided, single submitter. Criteria: Invitae Variant Classification Sherloc (09022015). Collection method: clinical testing. Allele origin: germline.
Comment: This sequence change replaces glycine, which is neutral and non-polar, with arginine, which is basic and polar, at codon 908 of the NOD2 protein (p.Gly908Arg). This variant is present in population databases (rs2066845, gnomAD 5%), including at least one homozygous and/or hemizygous individual. Numerous population-based case-control studies have shown that this variant confers an elevated risk of Crohn's disease (PMID: 21548950, 15024686, 18489434, 15190267, 15571588). In a large meta-analysis involving 75 case-control studies with 18,727 cases and 17,102 controls (PMID: 19713276), individuals carrying this variant had an increased overall risk of Crohn's disease (OR = 2.6, 95% CI 2.2-2.9). When all three NOD2 genotypes were combined (p.Arg702Trp, p.Gly908Arg, and p.Leu1007Profs*2), the odds ratios for Crohn's disease were 2.4 (95% CI, 2.0-2.8) for simple heterozygotes, 9.0 (95% CI 6.0-13.5) for compound heterozygotes, and 6.7 (95% CI 4.1-10.9) for homozygotes, compared with noncarriers. This variant is also known as G881R in the literature. ClinVar contains an entry for this variant (Variation ID: 4692). Invitae Evidence Modeling of protein sequence and biophysical properties (such as structural, functional, and spatial information, amino acid conservation, physicochemical variation, residue mobility, and thermodynamic stability) has been performed for this missense variant. However, the output from this modeling did not meet the statistical confidence thresholds required to predict the impact of this variant on NOD2 protein function. Experimental studies have shown that this missense change results in decreased NFkB activity and decreased response to lipopolysaccharide and peptidoglycan compared to wildtype protein (PMID: 12512038, 15198989). In summary, this is a frequently observed variant that is associated with approximately a 2.6-fold increased risk of Crohn's disease in population studies. Therefore, it has been classified as an Increased Risk Allele.

Clinical Genomics Laboratory, Washington University in St. Louis
Classification: Likely pathogenic for Yao syndrome; Inflammatory bowel disease 1. Last evaluated: 2026-02-01. Review status: criteria provided, single submitter. Criteria: ACMG Guidelines, 2015. Collection method: clinical testing. Allele origin: germline. Affected: yes.
Comment: The NOD2 c.2641G>C (p.Gly881Arg) variant commonly reported as c.2722G>C (p.Gly908Arg) on NM_02216.2, has been shown to confer an elevated risk of Crohn’s disease (OR = 2.6, 95% CI 2.2-2.9; Yazdanyar S et al., PMID: 19713276). When all three NOD2 genotypes were combined (p.Arg702Trp, p.Gly908Arg, and p.Leu1007Profs*2), the odds ratios for Crohn's disease were 2.4 (95% CI, 2.0-2.8) for simple heterozygotes, 9.0 (95% CI 6.0-13.5) for compound heterozygotes, and 6.7 (95% CI 4.1-10.9) for homozygotes, compared with noncarriers (Yazdanyar S et al., PMID: 19713276). This variant has also been observed in individuals with Yao syndrome along with one or more variants (Yao Q et al., PMID: 26070941; Yao Q et al., PMID: 23102769; Yao Q and Shen B, PMID: 27984003). Functional studies show decreased NFkB activity and decreased response to lipopolysaccharide, muramyl dipeptide, and peptidoglycan compared to wildtype protein, indicating that this variant impacts protein function (Bonen DK et al., PMID: 12512038; Li J et al., PMID: 15198989). The highest population minor allele frequency in the population database genome aggregation database (v.2.1.1) is 4.6% in the Ashkenazi Jewish population. Computational predictors are uncertain as to the impact of this variant on NOD2 function. This variant has been reported in the ClinVar database as a germline variant of uncertain significance by five submitters, benign by two, and likely benign by three submitters. This variant is an established risk for Crohn’s disease and a likely risk allele for Yao syndrome along with other genetic and environmental factors and based on available information and the ClinGen Low Penetrance/Risk Allele Working Group recommendations (Schmidt RJ et al., PMID: 38054408) this variant is classified as a likely risk allele.The NOD2 c.2023C>T (p.Arg675Trp), commonly reported as c.2104C>T (p.Arg702Trp) on NM_02216.2, has been shown to confer an elevated risk of Crohn’s disease (OR=2.2, 95% CI 2.0-2.5; Yazdanyar S et al., PMID: 19713276). When combined with two additional NOD2 variants, p.Gly908Arg and p.Leu1007Profs*2, the odds ratios for Crohn's disease were 2.4 (95% CI, 2.0-2.8) for simple heterozygotes, 9.0 (95% CI 6.0-13.5) for compound heterozygotes, and 6.7 (95% CI 4.1-10.9) for homozygotes, compared with noncarriers (Yazdanyar S et al., PMID: 19713276). This variant has also been observed in individuals with Yao syndrome, alone or concurrent with one or more variants (Yao Q et al., PMID: 26070941; Yao Q et al., PMID: 23102769; Yao Q and Shen B, PMID: 27984003). The highest population minor allele frequency in the population database genome aggregation database (v.2.1.1) is 4.3% in the European non-Finnish population. Functional studies show decreased NFkB activity and decreased response to lipopolysaccharide, muramyl dipeptide, and peptidoglycan compared to wildtype protein, indicating that this variant impacts protein function (Bonen DK et al., PMID: 12512038; Li J et al., PMID: 15198989; Salucci V et al., PMID: 18240302). This variant has been reported in the ClinVar database as a germline variant of uncertain significance by four submitters, benign by two, and likely benign by four submitters. This variant is an established risk for Crohn’s disease and a likely risk allele for Yao syndrome along with other genetic and environmental factors and based on available information and the ClinGen Low Penetrance/Risk Allele Working Group recommendations (Schmidt RJ et al., PMID: 38054408) this variant is classified as a likely risk allele.

ARUP Laboratories, Molecular Genetics and Genomics, ARUP Laboratories
Classification: Likely benign. Last evaluated: 2025-04-30. Review status: criteria provided, single submitter. Criteria: ARUP Molecular Germline Variant Investigation Process 2024. Collection method: clinical testing. Allele origin: germline.

Blueprint Genetics
Classification: Likely benign. Last evaluated: 2024-11-26. Review status: criteria provided, single submitter. Criteria: ACMG Guidelines, 2015. Collection method: clinical testing. Allele origin: germline.

Department of Pathology and Laboratory Medicine, Sinai Health System
Classification: Uncertain significance for Blau syndrome; Inflammatory bowel disease 1; Yao syndrome. Last evaluated: 2023-07-26. Review status: criteria provided, single submitter. Criteria: ACMG Guidelines, 2015. Collection method: research. Allele origin: germline.

Genome Diagnostics Laboratory, The Hospital for Sick Children
Classification: Benign for Autoinflammatory syndrome. Last evaluated: 2022-02-05. Review status: criteria provided, single submitter. Criteria: ACMG Guidelines, 2015. Collection method: clinical testing. Allele origin: germline. Affected: yes.

Dubai Health Genomic Medicine Center, Dubai Health
Classification: Uncertain significance for Inflammatory bowel disease 1. Last evaluated: 2020-12-10. Review status: criteria provided, single submitter. Criteria: ACMG Guidelines, 2015. Collection method: clinical testing. Allele origin: germline. Affected: yes.

Mendelics
Classification: Uncertain significance for Blau syndrome. Last evaluated: 2019-05-28. Review status: criteria provided, single submitter. Criteria: Mendelics Assertion Criteria 2017. Collection method: clinical testing. Allele origin: unknown.

Illumina Laboratory Services, Illumina
Classification: Likely benign for Inflammatory bowel disease 1. Last evaluated: 2017-04-27. Review status: criteria provided, single submitter. Criteria: ICSL Variant Classification Criteria 13 December 2019. Collection method: clinical testing. Allele origin: germline.
Comment: This variant was observed as part of a predisposition screen in an ostensibly healthy population. A literature search was performed for the gene, cDNA change, and amino acid change (where applicable). Publications were found based on this search. The evidence from the literature, in combination with allele frequency data from public databases where available, was sufficient to determine this variant is unlikely to cause disease. Therefore, this variant is classified as likely benign.

NM_001370466.1(NOD2):c.2641G>C (p.Gly881Arg)

Gene: NOD2 (nucleotide binding oligomerization domain containing 2; plus strand). Cytogenetic location: 16q12.1.
Variant type: single nucleotide variant.
Coding change: c.2641G>C on transcript NM_001370466.1 (MANE Select); coding-DNA position 2641, G replaced by C.
Protein change: p.Gly881Arg; replaces glycine 881 with arginine.
Molecular consequence: missense variant. On other transcripts: non-coding transcript variant (1).
Genome position (GRCh38, 1-based): chr16:50,722,629, G>C. VCF-style: chr16-50722629-G-C. GRCh37 (hg19) VCF-style: chr16-50756540-G-C.
Other names: c.2722G>C, p.Gly908Arg (LRG_177t1, NM_022162.3); c.2641G>C, p.Gly881Arg (NM_001293557.2); short protein forms G908R, G881R.
Identifiers: ClinVar variation 4692 (VCV000004692.76), dbSNP rs2066845, ClinGen allele CA117015.